The following is an entry in ClinVar:

ClinVar aggregate classification (germline): Uncertain significance. Review status: criteria provided, multiple submitters, no conflicts (2 of 4 stars). 2 submissions from 2 submitters: Uncertain significance (2). Last evaluated 2025-01-19.

Conditions:
Inborn genetic diseases. Identifiers: MedGen C0950123, MeSH D030342.
Fibrous dysplasia of jaw (CRBM). Also called: Cherubism. Identifiers: Orphanet 184, MedGen C0008029, MONDO:0007315, OMIM 118400.

gnomAD v4.1: 8 of 1,612,546 alleles (0.0005%); highest among the groups gnomAD compares: East Asian, 0.018%; no homozygotes.

Submissions (2):

Labcorp Genetics (formerly Invitae), Labcorp
Classification: Uncertain significance for Fibrous dysplasia of jaw. Last evaluated: 2025-01-19. Review status: criteria provided, single submitter. Criteria: Invitae Variant Classification Sherloc (09022015). Collection method: clinical testing. Allele origin: germline.
Comment: This sequence change replaces threonine, which is neutral and polar, with asparagine, which is neutral and polar, at codon 273 of the SH3BP2 protein (p.Thr273Asn). This variant is present in population databases (rs759670540, gnomAD 0.02%). This variant has not been reported in the literature in individuals affected with SH3BP2-related conditions. Invitae Evidence Modeling of protein sequence and biophysical properties (such as structural, functional, and spatial information, amino acid conservation, physicochemical variation, residue mobility, and thermodynamic stability) indicates that this missense variant is not expected to disrupt SH3BP2 protein function with a negative predictive value of 80%. In summary, the available evidence is currently insufficient to determine the role of this variant in disease. Therefore, it has been classified as a Variant of Uncertain Significance.

Ambry Genetics
Classification: Uncertain significance for Inborn genetic diseases. Last evaluated: 2024-04-23. Review status: criteria provided, single submitter. Criteria: Ambry Variant Classification Scheme 2023. Collection method: clinical testing. Allele origin: germline.

NM_001122681.2(SH3BP2):c.818C>A (p.Thr273Asn)

Gene: SH3BP2 (SH3 domain binding protein 2; plus strand). Cytogenetic location: 4p16.3.
Variant type: single nucleotide variant.
Coding change: c.818C>A on transcript NM_001122681.2 (MANE Select); coding-DNA position 818, C replaced by A.
Protein change: p.Thr273Asn; replaces threonine 273 with asparagine.
Molecular consequence: missense variant.
Genome position (GRCh38, 1-based): chr4:2,829,724, C>A. VCF-style: chr4-2829724-C-A. GRCh37 (hg19) VCF-style: chr4-2831451-C-A.
Other names: c.902C>A, p.Thr301Asn (NM_001145855.2); c.989C>A, p.Thr330Asn (NM_001145856.2); c.818C>A, p.Thr273Asn (NM_003023.4); short protein forms T330N, T301N, T273N.
Identifiers: ClinVar variation 3318046 (VCV003318046.3).